The following is an entry in ClinVar:

ClinVar aggregate classification (germline): Uncertain significance. Review status: criteria provided, multiple submitters, no conflicts (2 of 4 stars). 2 submissions from 2 submitters: Uncertain significance (2). Last evaluated 2025-12-10.

Conditions:
Hereditary cancer-predisposing syndrome. Also called: Neoplastic Syndromes, Hereditary; Tumor predisposition; Hereditary Cancer Syndrome; Hereditary neoplastic syndrome. Identifiers: Orphanet 140162, MedGen C0027672, MeSH D009386, MONDO:0015356.
Gastrointestinal stromal tumor. Also called: Gastrointestinal stromal tumor, somatic; Gastrointestinal stroma tumor. Identifiers: Orphanet 44890, MedGen C0238198, MeSH D046152, MONDO:0011719, OMIM 606764, HP:0100723.

Allele frequency attached by ClinVar (database versions not stated): gnomAD exomes below 0.00001.
gnomAD v4.1: 1 of 1,614,090 alleles (0.000062%); highest among the groups gnomAD compares: Non-Finnish European, 0.000085%; no homozygotes.

Submissions (2):

Ambry Genetics
Classification: Uncertain significance for Hereditary cancer-predisposing syndrome. Last evaluated: 2025-12-10. Review status: criteria provided, single submitter. Criteria: Ambry Variant Classification Scheme 2023. Collection method: clinical testing. Allele origin: germline.
Comment: The p.N468S variant (also known as c.1403A>G), located in coding exon 9 of the PDGFRA gene, results from an A to G substitution at nucleotide position 1403. The asparagine at codon 468 is replaced by serine, an amino acid with highly similar properties. This amino acid position is highly conserved in available vertebrate species. In addition, this alteration is predicted to be tolerated by in silico analysis. Based on the available evidence, the clinical significance of this variant remains unclear.

Labcorp Genetics (formerly Invitae), Labcorp
Classification: Uncertain significance for Gastrointestinal stromal tumor. Last evaluated: 2023-10-18. Review status: criteria provided, single submitter. Criteria: Invitae Variant Classification Sherloc (09022015). Collection method: clinical testing. Allele origin: germline.
Comment: This sequence change replaces asparagine, which is neutral and polar, with serine, which is neutral and polar, at codon 468 of the PDGFRA protein (p.Asn468Ser). RNA analysis indicates that this missense change induces altered splicing and likely results in the loss of 13 amino acid residue(s), but is expected to preserve the integrity of the reading-frame. This variant is not present in population databases (gnomAD no frequency). This variant has not been reported in the literature in individuals affected with PDGFRA-related conditions. ClinVar contains an entry for this variant (Variation ID: 648546). An algorithm developed to predict the effect of missense changes on protein structure and function (PolyPhen-2) suggests that this variant is likely to be disruptive. Studies have shown that this missense change results in the activation of a cryptic splice site in exon 10 (PMID: 35075231). In summary, the available evidence is currently insufficient to determine the role of this variant in disease. Therefore, it has been classified as a Variant of Uncertain Significance.

Literature cited by the submitters: PubMed 35075231 (cited by Labcorp Genetics (formerly Invitae), Labcorp).

NM_006206.6(PDGFRA):c.1403A>G (p.Asn468Ser)

Gene: PDGFRA (platelet derived growth factor receptor alpha; plus strand). Cytogenetic location: 4q12.
Variant type: single nucleotide variant.
Coding change: c.1403A>G on transcript NM_006206.6 (MANE Select); coding-DNA position 1403, A replaced by G.
Protein change: p.Asn468Ser; replaces asparagine 468 with serine.
Molecular consequence: missense variant.
Genome position (GRCh38, 1-based): chr4:54,273,575, A>G. VCF-style: chr4-54273575-A-G. GRCh37 (hg19) VCF-style: chr4-55139742-A-G.
Other names: c.1403A>G, p.Asn468Ser (NM_001347827.2, NM_001347829.2); c.1478A>G, p.Asn493Ser (NM_001347828.2); c.1442A>G, p.Asn481Ser (NM_001347830.2); short protein forms N468S, N481S, N493S.
Identifiers: ClinVar variation 648546 (VCV000648546.9), dbSNP rs1577724130, ClinGen allele CA356892499.